The following is an entry in ClinVar:

ClinVar aggregate classification (germline): Uncertain significance (1 of 4 stars; one submission).

Conditions:
Epilepsy. Also called: Seizure disorder. Identifiers: MedGen C0014544, MeSH D004827, MONDO:0005027.

Submission:

Labcorp Genetics (formerly Invitae), Labcorp
Classification: Uncertain significance for Epilepsy. Last evaluated: 2025-01-29. Review status: criteria provided, single submitter. Criteria: Invitae Variant Classification Sherloc (09022015). Collection method: clinical testing. Allele origin: germline.
Comment: This sequence change replaces leucine, which is neutral and non-polar, with phenylalanine, which is neutral and non-polar, at codon 296 of the PIGQ protein (p.Leu296Phe). This variant is not present in population databases (gnomAD no frequency). This variant has not been reported in the literature in individuals affected with PIGQ-related conditions. An algorithm developed to predict the effect of missense changes on protein structure and function (PolyPhen-2) suggests that this variant is likely to be disruptive. In summary, the available evidence is currently insufficient to determine the role of this variant in disease. Therefore, it has been classified as a Variant of Uncertain Significance.

NM_004204.5(PIGQ):c.886C>T (p.Leu296Phe)

Gene: PIGQ (phosphatidylinositol glycan anchor biosynthesis class Q; plus strand). Cytogenetic location: 16p13.3.
Variant type: single nucleotide variant.
Coding change: c.886C>T on transcript NM_004204.5 (MANE Select); coding-DNA position 886, C replaced by T.
Protein change: p.Leu296Phe; replaces leucine 296 with phenylalanine.
Molecular consequence: missense variant.
Genome position (GRCh38, 1-based): chr16:576,198, C>T. VCF-style: chr16-576198-C-T. GRCh37 (hg19) VCF-style: chr16-626198-C-T.
Other names: c.886C>T, p.Leu296Phe (NM_148920.4); short protein forms L296F.
Identifiers: ClinVar variation 3729451 (VCV003729451.2).